The following is an entry in ClinVar:

NM_003906.5(MCM3AP):c.5278C>T (p.Arg1760Trp)

Genes: MCM3AP-AS1 (MCM3AP antisense RNA 1; plus strand), MCM3AP (minichromosome maintenance complex component 3 associated protein; minus strand). Cytogenetic location: 21q22.3.
Variant type: single nucleotide variant.
Coding change: c.5278C>T on transcript NM_003906.5 (MANE Select); coding-DNA position 5278, C replaced by T.
Protein change: p.Arg1760Trp; replaces arginine 1760 with tryptophan.
Molecular consequence: missense variant.
Genome position (GRCh38, 1-based): chr21:46,243,483, G>A on the plus strand (C>T on the coding strand, the complement: MCM3AP is on the minus strand). VCF-style: chr21-46243483-G-A. GRCh37 (hg19) VCF-style: chr21-47663397-G-A.
Other names: short protein forms R1760W.
Identifiers: ClinVar variation 1475508 (VCV001475508.5), dbSNP rs762013245, ClinGen allele CA10075913.

ClinVar aggregate classification (germline): Uncertain significance (1 of 4 stars; one submission).

Allele frequency attached by ClinVar (database versions not stated): gnomAD exomes below 0.00001; ExAC 0.00001; gnomAD 0.00001.
gnomAD v4.1: 25 of 1,608,974 alleles (0.0016%); highest among the groups gnomAD compares: African/African-American, 0.0027%; no homozygotes.

Submission:

Labcorp Genetics (formerly Invitae), Labcorp
Classification: Uncertain significance. Last evaluated: 2021-09-15. Review status: criteria provided, single submitter. Criteria: Invitae Variant Classification Sherloc (09022015). Collection method: clinical testing. Allele origin: germline.
Comment: This sequence change replaces arginine with tryptophan at codon 1760 of the MCM3AP protein (p.Arg1760Trp). The arginine residue is moderately conserved and there is a moderate physicochemical difference between arginine and tryptophan. In summary, the available evidence is currently insufficient to determine the role of this variant in disease. Therefore, it has been classified as a Variant of Uncertain Significance. Algorithms developed to predict the effect of missense changes on protein structure and function are either unavailable or do not agree on the potential impact of this missense change (SIFT: "Deleterious"; PolyPhen-2: "Possibly Damaging"; Align-GVGD: "Class C0"). This variant has not been reported in the literature in individuals affected with MCM3AP-related conditions. This variant is present in population databases (rs762013245, ExAC 0.002%).